The following is an entry in ClinVar:

NM_024408.4(NOTCH2):c.4328G>C (p.Cys1443Ser)

Gene: NOTCH2 (notch receptor 2; minus strand). Cytogenetic location: 1p12.
Variant type: single nucleotide variant.
Coding change: c.4328G>C on transcript NM_024408.4 (MANE Select); coding-DNA position 4328, G replaced by C.
Protein change: p.Cys1443Ser; replaces cysteine 1443 with serine.
Molecular consequence: missense variant.
Genome position (GRCh38, 1-based): chr1:119,925,488, C>G on the plus strand (G>C on the coding strand, the complement: NOTCH2 is on the minus strand). VCF-style: chr1-119925488-C-G. GRCh37 (hg19) VCF-style: chr1-120468111-C-G.
Other names: short protein forms C1443S.
Identifiers: ClinVar variation 4743609 (VCV004743609.1).

ClinVar aggregate classification (germline): Uncertain significance (1 of 4 stars; one submission).

Conditions:
Hajdu-Cheney syndrome (HJCYS). Also called: Acroosteolysis dominant type; SERPENTINE FIBULA-POLYCYSTIC KIDNEY SYNDROME; ACROOSTEOLYSIS WITH OSTEOPOROSIS AND CHANGES IN SKULL AND MANDIBLE. Identifiers: Orphanet 955, MedGen C0917715, MONDO:0007057, OMIM 102500.

Submission:

Labcorp Genetics (formerly Invitae), Labcorp
Classification: Uncertain significance for Hajdu-Cheney syndrome. Last evaluated: 2025-10-27. Review status: criteria provided, single submitter. Criteria: Invitae Variant Classification Sherloc (09022015). Collection method: clinical testing. Allele origin: germline.
Comment: This sequence change replaces cysteine, which is neutral and slightly polar, with serine, which is neutral and polar, at codon 1443 of the NOTCH2 protein (p.Cys1443Ser). This variant is not present in population databases (gnomAD no frequency). This variant has not been reported in the literature in individuals affected with NOTCH2-related conditions. Invitae Evidence Modeling of protein sequence and biophysical properties (such as structural, functional, and spatial information, amino acid conservation, physicochemical variation, residue mobility, and thermodynamic stability) indicates that this missense variant is expected to disrupt NOTCH2 protein function with a positive predictive value of 80%. In summary, the available evidence is currently insufficient to determine the role of this variant in disease. Therefore, it has been classified as a Variant of Uncertain Significance.